The following is an entry in ClinVar:

NM_000093.5(COL5A1):c.4426T>C (p.Ser1476Pro)

Gene: COL5A1 (collagen type V alpha 1 chain; plus strand). Cytogenetic location: 9q34.3.
Variant type: single nucleotide variant.
Coding change: c.4426T>C on transcript NM_000093.5 (MANE Select); coding-DNA position 4426, T replaced by C.
Protein change: p.Ser1476Pro; replaces serine 1476 with proline.
Molecular consequence: missense variant.
Genome position (GRCh38, 1-based): chr9:134,819,033, T>C. VCF-style: chr9-134819033-T-C. GRCh37 (hg19) VCF-style: chr9-137710879-T-C.
Other names: c.4426T>C, p.Ser1476Pro (NM_001278074.1); short protein forms S1476P.
Identifiers: ClinVar variation 2781034 (VCV002781034.3), dbSNP rs1274499538, ClinGen allele CA375457539.
Genomic context (GRCh38, chr9:134,819,033, plus strand): 5'-CTCTGATCCCCCTGCCTCCTCCCACAGGGTCCCCCAGGACTTCCCGGCCTCAAAGGAGAT[T>C]CTGGTCCCAAAGGTGAAAAGGTAAGAGGGGCCTCCCTGCCCCAGCAACTGTGACTCGGGG-3'
Protein context (NP_000084.3, residues 1466-1486): PPGLPGLKGD[Ser1476Pro]GPKGEKGHPG

ClinVar aggregate classification (germline): Uncertain significance (1 of 4 stars; one submission).

Conditions:
Ehlers-Danlos syndrome, classic type, 1 (EDSCL1). Also called: EHLERS-DANLOS SYNDROME, GRAVIS TYPE; EHLERS-DANLOS SYNDROME, SEVERE CLASSIC TYPE; Ehlers-Danlos syndrome, type 1; Ehlers-Danlos Syndrome, Classic Type, COL5A1-Related; EDS I. Identifiers: MedGen C0268335, MONDO:0019567, OMIM 130000.

Allele frequency attached by ClinVar (database versions not stated): TOPMed below 0.00001.

Submission:

Labcorp Genetics (formerly Invitae), Labcorp
Classification: Uncertain significance for Ehlers-Danlos syndrome, classic type, 1. Last evaluated: 2023-11-14. Review status: criteria provided, single submitter. Criteria: Invitae Variant Classification Sherloc (09022015). Collection method: clinical testing. Allele origin: germline.
Comment: This sequence change replaces serine, which is neutral and polar, with proline, which is neutral and non-polar, at codon 1476 of the COL5A1 protein (p.Ser1476Pro). This variant is not present in population databases (gnomAD no frequency). This variant has not been reported in the literature in individuals affected with COL5A1-related conditions. Advanced modeling of protein sequence and biophysical properties (such as structural, functional, and spatial information, amino acid conservation, physicochemical variation, residue mobility, and thermodynamic stability) performed at Invitae indicates that this missense variant is not expected to disrupt COL5A1 protein function with a negative predictive value of 95%. In summary, the available evidence is currently insufficient to determine the role of this variant in disease. Therefore, it has been classified as a Variant of Uncertain Significance.